The following is an entry in ClinVar:

NM_001378615.1(CC2D2A):c.2143_2144del (p.Leu715fs)

Genes: CC2D2A (coiled-coil and C2 domain containing 2A; plus strand), FBXL5 (F-box and leucine rich repeat protein 5; minus strand). Cytogenetic location: 4p15.32.
Variant type: Deletion.
Coding change: c.2143_2144del on transcript NM_001378615.1 (MANE Select); coding-DNA positions 2143 to 2144, 2 bases deleted (TT; older notation c.2143_2144delTT).
Protein change: p.Leu715fs; shifts the reading frame from leucine 715.
Molecular consequence: frameshift variant.
Genome position (GRCh38, 1-based): chr4:15,540,976-15,540,977, TT deleted; deleting any 2 consecutive bases within chr4:15,540,975-15,540,977 gives the same sequence; the c. name uses the placement nearest the transcript's 3' end. VCF-style (leftmost placement, unchanged base first): chr4-15540974-ATT-A. GRCh37 (hg19) VCF-style: chr4-15542597-ATT-A.
Other names: c.2143_2144delTT (NM_001080522.2); c.1996_1997del, p.Leu666fs (NM_001378617.1); c.2143_2144del, p.Leu715fs (NM_001080522.2); short protein forms L666fs, L715fs.
Identifiers: ClinVar variation 3907064 (VCV003907064.1).
Genomic context (GRCh38, chr4:15,540,974, plus strand): 5'-CCAGGACAGTCAGTCGGCCACTAGGAGCAGACTTCCGAGTTCACTTTGGGCAGATTTTCA[ATT>A]TGCAAATAGTCAACTGGCCGGAGAGTTTAACACTTCAGGTACACATTTTAATTATAGTTA-3'

ClinVar aggregate classification (germline): Pathogenic (1 of 4 stars; one submission).

Conditions:
Meckel syndrome, type 6. Identifiers: Orphanet 564, MedGen C2676790, MONDO:0012848, OMIM 612284.

Submission:

Women's Health and Genetics/Laboratory Corporation of America, LabCorp
Classification: Pathogenic for Meckel syndrome, type 6. Last evaluated: 2025-06-17. Review status: criteria provided, single submitter. Criteria: LabCorp Variant Classification Summary - May 2015. Collection method: clinical testing. Allele origin: germline.
Comment: Variant summary: CC2D2A c.2143_2144delTT (p.Leu715AlafsX15) results in a premature termination codon, predicted to cause absence of the protein due to nonsense mediated decay, which is a commonly known mechanism for disease. The variant was absent in 158506 control chromosomes. To our knowledge, no occurrence of c.2143_2144delTT in individuals affected with Meckel Syndrome Type 6 and no experimental evidence demonstrating its impact on protein function have been reported. No submitters have cited clinical-significance assessments for this variant to ClinVar. Based on the evidence outlined above, the variant was classified as pathogenic.